The following is an entry in ClinVar:

NM_016284.5(CNOT1):c.4439C>T (p.Ala1480Val)

Gene: CNOT1 (CCR4-NOT transcription complex subunit 1; minus strand). Cytogenetic location: 16q21.
Variant type: single nucleotide variant.
Coding change: c.4439C>T on transcript NM_016284.5 (MANE Select); coding-DNA position 4439, C replaced by T.
Protein change: p.Ala1480Val; replaces alanine 1480 with valine.
Molecular consequence: missense variant. On other transcripts: non-coding transcript variant (1).
Genome position (GRCh38, 1-based): chr16:58,542,564, G>A on the plus strand (C>T on the coding strand, the complement: CNOT1 is on the minus strand). VCF-style: chr16-58542564-G-A. GRCh37 (hg19) VCF-style: chr16-58576468-G-A.
Other names: c.4424C>T, p.Ala1475Val (NM_001265612.2); c.4439C>T (NM_016284.3, NM_016284.4); short protein forms A1480V, A1475V.
Identifiers: ClinVar variation 771017 (VCV000771017.34), dbSNP rs140462757, ClinGen allele CA8089076.
Genomic context (GRCh38, chr16:58,542,564, plus strand): 5'-CAATTGTCCTGAGCTAATTGAGCAGCTGCCTGATCCATCATTTCTCTTTGTTGTGGGGAA[G>A]CAGTCTATTAATGGAGGTGGGTGGGGGGGTGGGGGGAATAGAAGGAAAAAGACTTGAAAG-3'
Protein context (NP_057368.3, residues 1470-1490): KNSFASALRT[Ala1480Val]SPQQREMMDQ

ClinVar aggregate classification (germline): Likely benign. Review status: criteria provided, multiple submitters, no conflicts (2 of 4 stars). 5 submissions from 5 submitters: Likely benign (4). 1 of the submissions does not count toward it. Last evaluated 2026-03-01.

Conditions:
Inborn genetic diseases. Identifiers: MedGen C0950123, MeSH D030342.
CNOT1-related disorder. Also called: CNOT1-related condition.

Allele frequency attached by ClinVar (database versions not stated): 1000 Genomes Project 0.00020; TOPMed 0.00077; gnomAD exomes 0.00094 and 0.00335; gnomAD 0.00097 and 0.00099; ESP Exome Variant Server 0.00123; ExAC 0.00124.
gnomAD v4.1: 1,722 of 598,598 alleles (0.29%); highest among the groups gnomAD compares: Non-Finnish European, 0.45%; 2 homozygotes.

Submissions (5):

CeGaT Center for Human Genetics Tuebingen
Classification: Likely benign. Last evaluated: 2026-03-01. Review status: criteria provided, single submitter. Criteria: CeGaT Center For Human Genetics Tuebingen Variant Classification Criteria Version 2. Collection method: clinical testing. Allele origin: germline. Affected: yes. Observed: 8 variant alleles.
Comment: CNOT1: PP2, BS1

Labcorp Genetics (formerly Invitae), Labcorp
Classification: Likely benign. Last evaluated: 2025-12-23. Review status: criteria provided, single submitter. Criteria: Invitae Variant Classification Sherloc (09022015). Collection method: clinical testing. Allele origin: germline.

Blueprint Genetics
Classification: Likely benign. Last evaluated: 2024-11-19. Review status: criteria provided, single submitter. Criteria: ACMG Guidelines, 2015. Collection method: clinical testing. Allele origin: germline.

Ambry Genetics
Classification: Likely benign for Inborn genetic diseases. Last evaluated: 2021-12-07. Review status: criteria provided, single submitter. Criteria: Ambry Variant Classification Scheme 2023. Collection method: clinical testing. Allele origin: germline.

PreventionGenetics, part of Exact Sciences
Classification: Likely benign for CNOT1-related condition. Last evaluated: 2019-05-06. Review status: no assertion criteria provided. Collection method: clinical testing. Allele origin: germline. Not counted in ClinVar's aggregate classification.
Comment: This variant is classified as likely benign based on ACMG/AMP sequence variant interpretation guidelines (Richards et al. 2015 PMID: 25741868, with internal and published modifications).